The following is an entry in ClinVar:

ClinVar aggregate classification (germline): Conflicting classifications of pathogenicity. Review status: criteria provided, conflicting classifications (1 of 4 stars). 4 submissions from 4 submitters: Uncertain significance (2); Benign (1); Likely benign (1). Last evaluated 2025-12-24.

Conditions:
Hereditary cancer-predisposing syndrome. Also called: Tumor predisposition; Hereditary Cancer Syndrome; Neoplastic Syndromes, Hereditary; Hereditary neoplastic syndrome. Identifiers: Orphanet 140162, MedGen C0027672, MeSH D009386, MONDO:0015356.
Gorlin syndrome. Also called: Basal cell nevus syndrome; Nevoid Basal Cell Carcinoma Syndrome. Identifiers: Orphanet 377, MedGen C0004779, MONDO:0007187.

Submissions (4):

Labcorp Genetics (formerly Invitae), Labcorp
Classification: Benign for Gorlin syndrome. Last evaluated: 2025-12-24. Review status: criteria provided, single submitter. Criteria: Invitae Variant Classification Sherloc (09022015). Collection method: clinical testing. Allele origin: germline.

Quest Diagnostics Nichols Institute San Juan Capistrano
Classification: Uncertain significance. Last evaluated: 2025-08-08. Review status: criteria provided, single submitter. Criteria: Quest Diagnostics criteria. Collection method: clinical testing. Allele origin: unknown.
Comment: The PTCH1 c.49_51dup (p.Gly17dup) variant has not been reported in individuals with PTCH1-related conditions in the published literature. The frequency of this variant in the general population (Genome Aggregation Database) is uninformative in the assessment of its pathogenicity. Based on the available information, we are unable to determine the clinical significance of this variant.

GeneDx
Classification: Uncertain significance. Last evaluated: 2024-08-14. Review status: criteria provided, single submitter. Criteria: GeneDx Variant Classification Process June 2021. Collection method: clinical testing. Allele origin: germline. Affected: yes.
Comment: In-frame duplication of 1 amino acid in a repetitive region with no known function; Not observed at significant frequency in large population cohorts (gnomAD); Has not been previously published as pathogenic or benign to our knowledge

Ambry Genetics
Classification: Likely benign for Hereditary cancer-predisposing syndrome. Last evaluated: 2023-11-22. Review status: criteria provided, single submitter. Criteria: Ambry Variant Classification Scheme 2023. Collection method: clinical testing. Allele origin: germline.

Literature cited by the submitters: PubMed 27325696 (cited by Ambry Genetics); PubMed 29954986 (cited by Ambry Genetics); PubMed 30166346 (cited by Ambry Genetics).

NM_000264.5(PTCH1):c.40GGC[5] (p.Gly17dup)

Genes: PTCH1 (patched 1; minus strand), LOC130002133 (ATAC-STARR-seq lymphoblastoid silent region 20071; plus strand). Cytogenetic location: 9q22.32.
Variant type: Microsatellite.
Coding change: c.40GGC[5] on transcript NM_000264.5 (MANE Select); five copies in a row of the 3-base unit GGC starting at c.40; the reference has four copies in a row; one copy, 3 bases duplicated; also written c.49_51dup.
Protein change: p.Gly17dup; duplicates glycine 17.
Molecular consequence: inframe insertion. On other transcripts: intron variant (3), non-coding transcript variant (1).
Genome position (GRCh38, 1-based): chr9:95,508,311-95,508,313, GCC duplicated on the plus strand (GGC on the coding strand, the reverse complement: PTCH1 is on the minus strand); duplicating any 3 consecutive bases within chr9:95,508,311-95,508,324 gives the same sequence; the position shown is the placement nearest the transcript's 3' end. VCF-style (leftmost placement, unchanged base first): chr9-95508310-T-TGCC. GRCh37 (hg19) VCF-style: chr9-98270592-T-TGCC.
Other names: c.49_51dup (NM_000264.3, NM_000264.4); c.199-1723GGC[5] (NM_001083603.3); c.4-1723GGC[5] (NM_001083602.3, NM_001354919.2); c.40GGC[5], p.Gly17dup (NM_001354918.2).
Identifiers: ClinVar variation 453896 (VCV000453896.19), dbSNP rs756897237, ClinGen allele CA466107923.